The following is an entry in ClinVar:

ClinVar aggregate classification (germline): Uncertain significance (1 of 4 stars; one submission).

Allele frequency attached by ClinVar (database versions not stated): gnomAD exomes below 0.00001.
gnomAD v4.1: 1 of 1,582,726 alleles (0.000063%); highest among the groups gnomAD compares: Non-Finnish European, 0.000086%; no homozygotes.

Submission:

Labcorp Genetics (formerly Invitae), Labcorp
Classification: Uncertain significance. Last evaluated: 2021-10-15. Review status: criteria provided, single submitter. Criteria: Invitae Variant Classification Sherloc (09022015). Collection method: clinical testing. Allele origin: germline.
Comment: Algorithms developed to predict the effect of missense changes on protein structure and function (SIFT, PolyPhen-2, Align-GVGD) all suggest that this variant is likely to be tolerated. This sequence change replaces glutamic acid with glutamine at codon 492 of the MPDZ protein (p.Glu492Gln). The glutamic acid residue is highly conserved and there is a small physicochemical difference between glutamic acid and glutamine. This variant also falls at the last nucleotide of exon 11, which is part of the consensus splice site for this exon. This variant is not present in population databases (ExAC no frequency). This variant has not been reported in the literature in individuals affected with MPDZ-related conditions. Variants that disrupt the consensus splice site are a relatively common cause of aberrant splicing (PMID: 17576681, 9536098). Algorithms developed to predict the effect of sequence changes on RNA splicing suggest that this variant may disrupt the consensus splice site. In summary, the available evidence is currently insufficient to determine the role of this variant in disease. Therefore, it has been classified as a Variant of Uncertain Significance.

Literature cited by the submitters: PubMed 17576681; PubMed 9536098.

NM_001378778.1(MPDZ):c.1474G>C (p.Glu492Gln)

Gene: MPDZ (multiple PDZ domain crumbs cell polarity complex component; minus strand). Cytogenetic location: 9p23.
Variant type: single nucleotide variant.
Coding change: c.1474G>C on transcript NM_001378778.1 (MANE Select); coding-DNA position 1474, G replaced by C.
Protein change: p.Glu492Gln; replaces glutamic acid 492 with glutamine.
Molecular consequence: missense variant.
Genome position (GRCh38, 1-based): chr9:13,205,916, C>G on the plus strand (G>C on the coding strand, the complement: MPDZ is on the minus strand). VCF-style: chr9-13205916-C-G. GRCh37 (hg19) VCF-style: chr9-13205915-C-G.
Other names: c.1474G>C, p.Glu492Gln (NM_001261406.2, NM_001261407.2, NM_001330637.2 and 14 more transcripts); short protein forms E492Q.
Identifiers: ClinVar variation 1421181 (VCV001421181.6), dbSNP rs1452392043, ClinGen allele CA372942990.